The following is an entry in ClinVar:

NM_015311.3(OBSL1):c.1366G>A (p.Gly456Arg)

Gene: OBSL1 (obscurin like cytoskeletal adaptor 1; minus strand). Cytogenetic location: 2q35.
Variant type: single nucleotide variant.
Coding change: c.1366G>A on transcript NM_015311.3 (MANE Select); coding-DNA position 1366, G replaced by A.
Protein change: p.Gly456Arg; replaces glycine 456 with arginine.
Molecular consequence: missense variant.
Genome position (GRCh38, 1-based): chr2:219,567,886, C>T on the plus strand (G>A on the coding strand, the complement: OBSL1 is on the minus strand). VCF-style: chr2-219567886-C-T. GRCh37 (hg19) VCF-style: chr2-220432608-C-T.
Other names: c.1366G>A, p.Gly456Arg (NM_001173408.2, NM_001173431.2); short protein forms G456R.
Identifiers: ClinVar variation 4086608 (VCV004086608.1).

ClinVar aggregate classification (germline): Uncertain significance (1 of 4 stars; one submission).

gnomAD v4.1: 27 of 1,613,808 alleles (0.0017%); highest among the groups gnomAD compares: Middle Eastern, 0.033%; 1 homozygote.

Submission:

GeneDx
Classification: Uncertain significance. Last evaluated: 2025-03-20. Review status: criteria provided, single submitter. Criteria: GeneDx Variant Classification Process June 2021. Collection method: clinical testing. Allele origin: germline. Affected: yes.
Comment: In silico analysis indicates that this missense variant does not alter protein structure/function; Has not been previously published as pathogenic or benign to our knowledge